The following is an entry in ClinVar:

NM_001903.5(CTNNA1):c.1700T>C (p.Val567Ala)

Gene: CTNNA1 (catenin alpha 1; plus strand). Cytogenetic location: 5q31.2.
Variant type: single nucleotide variant.
Coding change: c.1700T>C on transcript NM_001903.5 (MANE Select); coding-DNA position 1700, T replaced by C.
Protein change: p.Val567Ala; replaces valine 567 with alanine.
Molecular consequence: missense variant.
Genome position (GRCh38, 1-based): chr5:138,924,663, T>C. VCF-style: chr5-138924663-T-C. GRCh37 (hg19) VCF-style: chr5-138260352-T-C.
Other names: c.590T>C, p.Val197Ala (NM_001324000.1, NM_001324001.1, NM_001324002.1 and 17 more transcripts); c.251T>C, p.Val84Ala (NM_001324006.1, NM_001324007.1, NM_001324008.1 and 2 more transcripts); c.1700T>C, p.Val567Ala (NM_001290307.3, NM_001323982.2, NM_001323983.1 and 2 more transcripts); c.1391T>C, p.Val464Ala (NM_001290309.3); c.1331T>C, p.Val444Ala (NM_001290310.3); c.1607T>C, p.Val536Ala (NM_001323986.2); c.497T>C, p.Val166Ala (NM_001324011.1); c.347T>C, p.Val116Ala (NM_001324012.1, NM_001324013.1); short protein forms V116A, V444A, V567A, V197A, V464A, V536A, V166A, V84A.
Identifiers: ClinVar variation 2844355 (VCV002844355.3), dbSNP rs2533712902, ClinGen allele CA361132006.

ClinVar aggregate classification (germline): Uncertain significance (1 of 4 stars; one submission).

Submission:

Labcorp Genetics (formerly Invitae), Labcorp
Classification: Uncertain significance. Last evaluated: 2023-03-09. Review status: criteria provided, single submitter. Criteria: Invitae Variant Classification Sherloc (09022015). Collection method: clinical testing. Allele origin: germline.
Comment: This sequence change replaces valine, which is neutral and non-polar, with alanine, which is neutral and non-polar, at codon 567 of the CTNNA1 protein (p.Val567Ala). This variant is not present in population databases (gnomAD no frequency). This variant has not been reported in the literature in individuals affected with CTNNA1-related conditions. An algorithm developed to predict the effect of missense changes on protein structure and function (PolyPhen-2) suggests that this variant is likely to be tolerated. In summary, the available evidence is currently insufficient to determine the role of this variant in disease. Therefore, it has been classified as a Variant of Uncertain Significance.